The following is an entry in ClinVar:

NM_000234.3(LIG1):c.1331+6C>T

Gene: LIG1 (DNA ligase 1; minus strand). Cytogenetic location: 19q13.33.
Variant type: single nucleotide variant.
Coding change: c.1331+6C>T on transcript NM_000234.3 (MANE Select); 6 bases into the intron after coding-DNA position 1331, C replaced by T.
Molecular consequence: intron variant.
Genome position (GRCh38, 1-based): chr19:48,137,002, G>A on the plus strand (C>T on the coding strand, the complement: LIG1 is on the minus strand). VCF-style: chr19-48137002-G-A. GRCh37 (hg19) VCF-style: chr19-48640259-G-A.
Other names: c.1238+6C>T (NM_001289063.2); c.1241+6C>T (NM_001320971.2); c.1127+6C>T (NM_001289064.2); c.1328+6C>T (NM_001320970.2).
Identifiers: ClinVar variation 1412834 (VCV001412834.7), dbSNP rs370406559, ClinGen allele CA9546870.

ClinVar aggregate classification (germline): Conflicting classifications of pathogenicity. Review status: criteria provided, conflicting classifications (1 of 4 stars). 3 submissions from 3 submitters: Uncertain significance (2); Likely benign (1). Last evaluated 2025-01-06.

Conditions:
Immunodeficiency 96 (IMD96). Identifiers: MedGen C5676930, MONDO:0030693, OMIM 619774.
DNA Ligase I Deficiency. Identifiers: MedGen C4016019.

Allele frequency attached by ClinVar (database versions not stated): gnomAD 0.00007 and 0.00021; gnomAD exomes 0.00008 and 0.00010; ExAC 0.00017; TOPMed 0.00028.
gnomAD v4.1: 145 of 1,609,422 alleles (0.009%); highest among the groups gnomAD compares: Middle Eastern, 0.017%; no homozygotes.

Submissions (3):

Labcorp Genetics (formerly Invitae), Labcorp
Classification: Uncertain significance. Last evaluated: 2025-01-06. Review status: criteria provided, single submitter. Criteria: Invitae Variant Classification Sherloc (09022015). Collection method: clinical testing. Allele origin: germline.
Comment: This sequence change falls in intron 14 of the LIG1 gene. It does not directly change the encoded amino acid sequence of the LIG1 protein. It affects a nucleotide within the consensus splice site. This variant is present in population databases (rs370406559, gnomAD 0.02%). This variant has not been reported in the literature in individuals affected with LIG1-related conditions. ClinVar contains an entry for this variant (Variation ID: 1412834). Variants that disrupt the consensus splice site are a relatively common cause of aberrant splicing (PMID: 17576681, 9536098). Algorithms developed to predict the effect of sequence changes on RNA splicing suggest that this variant is not likely to affect RNA splicing. In summary, the available evidence is currently insufficient to determine the role of this variant in disease. Therefore, it has been classified as a Variant of Uncertain Significance.

Blueprint Genetics
Classification: Likely benign. Last evaluated: 2024-10-22. Review status: criteria provided, single submitter. Criteria: ACMG Guidelines, 2015. Collection method: clinical testing. Allele origin: germline.

Fulgent Genetics
Classification: Uncertain significance for Immunodeficiency 96. Last evaluated: 2021-07-31. Review status: criteria provided, single submitter. Criteria: ACMG Guidelines, 2015. Collection method: clinical testing. Allele origin: unknown.

Literature cited by the submitters: PubMed 17576681 (cited by Labcorp Genetics (formerly Invitae), Labcorp); PubMed 9536098 (cited by Labcorp Genetics (formerly Invitae), Labcorp).